The following is an entry in ClinVar:

ClinVar aggregate classification (germline): Uncertain significance (1 of 4 stars; one submission).

gnomAD v4.1: 1 of 1,576,692 alleles (0.000063%); highest among the groups gnomAD compares: Non-Finnish European, 0.000086%; no homozygotes.

Submission:

CeGaT Center for Human Genetics Tuebingen
Classification: Uncertain significance. Last evaluated: 2026-04-01. Review status: criteria provided, single submitter. Criteria: CeGaT Center For Human Genetics Tuebingen Variant Classification Criteria Version 2. Collection method: clinical testing. Allele origin: germline. Affected: yes. Observed: 1 variant allele.
Comment: TTN: PM2, BP4

NM_001267550.2(TTN):c.40642C>G (p.Pro13548Ala)

Gene: TTN (titin; minus strand). Cytogenetic location: 2q31.2.
Variant type: single nucleotide variant.
Coding change: c.40642C>G on transcript NM_001267550.2 (MANE Select); coding-DNA position 40642, C replaced by G.
Protein change: p.Pro13548Ala; replaces proline 13548 with alanine.
Molecular consequence: missense variant.
Genome position (GRCh38, 1-based): chr2:178,640,622, G>C on the plus strand (C>G on the coding strand, the complement: TTN is on the minus strand). VCF-style: chr2-178640622-G-C. GRCh37 (hg19) VCF-style: chr2-179505349-G-C.
Other names: c.35719C>G, p.Pro11907Ala (NM_001256850.1); c.13447C>G, p.Pro4483Ala (NM_003319.4); c.32938C>G, p.Pro10980Ala (NM_133378.4); c.13822C>G, p.Pro4608Ala (NM_133432.3); c.14023C>G, p.Pro4675Ala (NM_133437.4); short protein forms P10980A, P11907A, P13548A, P4483A, P4608A, P4675A.
Identifiers: ClinVar variation 4873796 (VCV004873796.2).